The following is an entry in ClinVar:

ClinVar aggregate classification (germline): Uncertain significance. Review status: criteria provided, multiple submitters, no conflicts (2 of 4 stars). 2 submissions from 2 submitters: Uncertain significance (2). Last evaluated 2025-05-13.

Conditions:
Familial adenomatous polyposis 1 (FAP1). Also called: FAMILIAL ADENOMATOUS POLYPOSIS 1, ATTENUATED; POLYPOSIS, ADENOMATOUS INTESTINAL. Identifiers: MedGen C2713442, MONDO:0021056, OMIM 175100. Disease mechanism: loss of function.
Hereditary cancer-predisposing syndrome. Also called: Neoplastic Syndromes, Hereditary; Hereditary Cancer Syndrome; Tumor predisposition; Hereditary neoplastic syndrome. Identifiers: Orphanet 140162, MedGen C0027672, MeSH D009386, MONDO:0015356.

Allele frequency attached by ClinVar (database versions not stated): TOPMed 0.00001.

Submissions (2):

Ambry Genetics
Classification: Uncertain significance for Hereditary cancer-predisposing syndrome. Last evaluated: 2025-05-13. Review status: criteria provided, single submitter. Criteria: Ambry Variant Classification Scheme 2023. Collection method: clinical testing. Allele origin: germline.
Comment: The p.D1133N variant (also known as c.3397G>A), located in coding exon 15 of the APC gene, results from a G to A substitution at nucleotide position 3397. The aspartic acid at codon 1133 is replaced by asparagine, an amino acid with highly similar properties. This amino acid position is highly conserved in available vertebrate species. In addition, in silico predictors for this gene do not accurately predict pathogenicity. Missense alterations in APC are not a common cause of disease (Spier I et al. Genet Med. 2024 Feb;26(2):100992). Based on the available evidence, the clinical significance of this variant remains unclear.

Labcorp Genetics (formerly Invitae), Labcorp
Classification: Uncertain significance for Familial adenomatous polyposis 1. Last evaluated: 2024-04-05. Review status: criteria provided, single submitter. Criteria: Invitae Variant Classification Sherloc (09022015). Collection method: clinical testing. Allele origin: germline.
Comment: This sequence change replaces aspartic acid, which is acidic and polar, with asparagine, which is neutral and polar, at codon 1133 of the APC protein (p.Asp1133Asn). This variant is not present in population databases (gnomAD no frequency). This variant has not been reported in the literature in individuals affected with APC-related conditions. ClinVar contains an entry for this variant (Variation ID: 581688). Advanced modeling of protein sequence and biophysical properties (such as structural, functional, and spatial information, amino acid conservation, physicochemical variation, residue mobility, and thermodynamic stability) performed at Invitae indicates that this missense variant is not expected to disrupt APC protein function with a negative predictive value of 95%. In summary, the available evidence is currently insufficient to determine the role of this variant in disease. Therefore, it has been classified as a Variant of Uncertain Significance.

NM_000038.6(APC):c.3397G>A (p.Asp1133Asn)

Gene: APC (APC regulator of Wnt signaling pathway; plus strand). Cytogenetic location: 5q22.2.
Variant type: single nucleotide variant.
Coding change: c.3397G>A on transcript NM_000038.6 (MANE Select); coding-DNA position 3397, G replaced by A.
Protein change: p.Asp1133Asn; replaces aspartic acid 1133 with asparagine.
Molecular consequence: missense variant.
Genome position (GRCh38, 1-based): chr5:112,838,991, G>A. VCF-style: chr5-112838991-G-A. GRCh37 (hg19) VCF-style: chr5-112174688-G-A.
Other names: c.3397G>A, p.Asp1133Asn (NM_001127510.3, NM_001354895.2); c.3343G>A, p.Asp1115Asn (NM_001127511.3); c.3451G>A, p.Asp1151Asn (NM_001354896.2); c.3427G>A, p.Asp1143Asn (NM_001354897.2); c.3322G>A, p.Asp1108Asn (NM_001354898.2); c.3313G>A, p.Asp1105Asn (NM_001354899.2); c.3274G>A, p.Asp1092Asn (NM_001354900.2); c.3220G>A, p.Asp1074Asn (NM_001354901.2); and 5 more; short protein forms D1115N, D1133N, D1042N, D1105N, D973N, D1032N, D1074N, D1092N.
Identifiers: ClinVar variation 581688 (VCV000581688.12), dbSNP rs1354436128, ClinGen allele CA16028776.